The following is an entry in ClinVar:

NM_001127222.2(CACNA1A):c.532C>G (p.Leu178Val)

Gene: CACNA1A (calcium voltage-gated channel subunit alpha1 A; minus strand). Cytogenetic location: 19p13.13.
Variant type: single nucleotide variant.
Coding change: c.532C>G on transcript NM_001127222.2 (MANE Select); coding-DNA position 532, C replaced by G.
Protein change: p.Leu178Val; replaces leucine 178 with valine.
Molecular consequence: missense variant.
Genome position (GRCh38, 1-based): chr19:13,452,883, G>C on the plus strand (C>G on the coding strand, the complement: CACNA1A is on the minus strand). VCF-style: chr19-13452883-G-C. GRCh37 (hg19) VCF-style: chr19-13563697-G-C.
Other names: c.532C>G, p.Leu178Val (NM_000068.4, NM_001127221.2, NM_001174080.2 and 1 more transcripts); short protein forms L178V.
Identifiers: ClinVar variation 2444688 (VCV002444688.4), dbSNP rs2060941781, ClinGen allele CA404967416.
Genomic context (GRCh38, chr19:13,452,883, plus strand): 5'-CCTCGTAATCCTTCAGCTAGTTAAATCCAAAGCGTATAGCACGCGCCACTTACCCCGTTA[G>C]CACCACCACAAAGTCCATGACATTCCAGCCATTCCTCAAGTAGGAGCCTTTGTGGAAGGC-3'
Protein context (NP_001120694.1, residues 168-188): GWNVMDFVVV[Leu178Val]TGILATVGTE

ClinVar aggregate classification (germline): Uncertain significance. Review status: criteria provided, multiple submitters, no conflicts (2 of 4 stars). 2 submissions from 2 submitters: Uncertain significance (2). Last evaluated 2024-12-24.

Conditions:
Episodic ataxia type 2 (EA2). Also called: ATAXIA, EPISODIC, WITH NYSTAGMUS; ATAXIA, FAMILIAL PAROXYSMAL; CEREBELLAR ATAXIA, PAROXYSMAL, ACETAZOLAMIDE-RESPONSIVE; CEREBELLOPATHY, HEREDITARY PAROXYSMAL; EPISODIC ATAXIA, NYSTAGMUS-ASSOCIATED; ACETAZOLAMIDE-RESPONSIVE HEREDITARY PAROXYSMAL CEREBELLAR ATAXIA. Identifiers: Orphanet 97, MedGen C1720416, MONDO:0007163, OMIM 108500.
Developmental and epileptic encephalopathy, 42 (DEE42A). Also called: DEVELOPMENTAL AND EPILEPTIC ENCEPHALOPATHY 42A; EPILEPTIC ENCEPHALOPATHY, EARLY INFANTILE, 42A; Epileptic encephalopathy, early infantile, 42. Identifiers: MedGen C4310716, MONDO:0014917, OMIM 617106.

Allele frequency attached by ClinVar (database versions not stated): TOPMed below 0.00001.

Submissions (2):

Labcorp Genetics (formerly Invitae), Labcorp
Classification: Uncertain significance for Developmental and epileptic encephalopathy, 42; Episodic ataxia type 2. Last evaluated: 2024-12-24. Review status: criteria provided, single submitter. Criteria: Invitae Variant Classification Sherloc (09022015). Collection method: clinical testing. Allele origin: germline.
Comment: This sequence change replaces leucine, which is neutral and non-polar, with valine, which is neutral and non-polar, at codon 178 of the CACNA1A protein (p.Leu178Val). This variant is not present in population databases (gnomAD no frequency). This variant has not been reported in the literature in individuals affected with CACNA1A-related conditions. ClinVar contains an entry for this variant (Variation ID: 2444688). Invitae Evidence Modeling of protein sequence and biophysical properties (such as structural, functional, and spatial information, amino acid conservation, physicochemical variation, residue mobility, and thermodynamic stability) has been performed for this missense variant. However, the output from this modeling did not meet the statistical confidence thresholds required to predict the impact of this variant on CACNA1A protein function. In summary, the available evidence is currently insufficient to determine the role of this variant in disease. Therefore, it has been classified as a Variant of Uncertain Significance.

GeneDx
Classification: Uncertain significance. Last evaluated: 2024-09-19. Review status: criteria provided, single submitter. Criteria: GeneDx Variant Classification Process June 2021. Collection method: clinical testing. Allele origin: germline.
Comment: Not observed at significant frequency in large population cohorts (gnomAD); In silico analysis indicates that this missense variant does not alter protein structure/function; Has not been previously published as pathogenic or benign to our knowledge